The following is an entry in ClinVar:

ClinVar aggregate classification (germline): Uncertain significance (1 of 4 stars; one submission).

Submission:

GeneDx
Classification: Uncertain significance. Last evaluated: 2025-03-03. Review status: criteria provided, single submitter. Criteria: GeneDx Variant Classification Process June 2021. Collection method: clinical testing. Allele origin: germline. Affected: yes.
Comment: Not observed at significant frequency in large population cohorts (gnomAD); In silico analysis supports that this missense variant has a deleterious effect on protein structure/function; Has not been previously published as pathogenic or benign to our knowledge

NM_000168.6(GLI3):c.4456C>A (p.Gln1486Lys)

Gene: GLI3 (GLI family zinc finger 3; minus strand). Cytogenetic location: 7p14.1.
Variant type: single nucleotide variant.
Coding change: c.4456C>A on transcript NM_000168.6 (MANE Select); coding-DNA position 4456, C replaced by A.
Protein change: p.Gln1486Lys; replaces glutamine 1486 with lysine.
Molecular consequence: missense variant.
Genome position (GRCh38, 1-based): chr7:41,964,617, G>T on the plus strand (C>A on the coding strand, the complement: GLI3 is on the minus strand). VCF-style: chr7-41964617-G-T. GRCh37 (hg19) VCF-style: chr7-42004215-G-T.
Other names: short protein forms Q1486K.
Identifiers: ClinVar variation 4082769 (VCV004082769.1).
Genomic context (GRCh38, chr7:41,964,617, plus strand): 5'-AGTCAATCTGTACCCCTTCCAGGTCATGGCTGTCGAGGCTGTCCACTGTGCTTGTCACCT[G>T]ATTAGCACCTGGGGAAAGTAACTCAGAGTTTTTGGCGCTGGTCCCCTGTAGCAGGCAGCT-3'
Protein context (NP_000159.3, residues 1476-1496): NSELLSPGAN[Gln1486Lys]VTSTVDSLDS